The following is an entry in ClinVar:

NM_001292063.2(OTOG):c.94+64G>A

Gene: OTOG (otogelin; plus strand). Cytogenetic location: 11p15.1.
Variant type: single nucleotide variant.
Coding change: c.94+64G>A on transcript NM_001292063.2 (MANE Select); 64 bases into the intron after coding-DNA position 94, G replaced by A.
Molecular consequence: intron variant. On other transcripts: missense variant (1).
Genome position (GRCh38, 1-based): chr11:17,547,530, G>A. VCF-style: chr11-17547530-G-A. GRCh37 (hg19) VCF-style: chr11-17569077-G-A.
Other names: c.158G>A, p.Arg53Lys (NM_001277269.2); short protein forms R53K.
Identifiers: ClinVar variation 4086569 (VCV004086569.1).

ClinVar aggregate classification (germline): Uncertain significance (1 of 4 stars; one submission).

Submission:

GeneDx
Classification: Uncertain significance. Last evaluated: 2025-03-18. Review status: criteria provided, single submitter. Criteria: GeneDx Variant Classification Process June 2021. Collection method: clinical testing. Allele origin: germline. Affected: yes.
Comment: Not observed at significant frequency in large population cohorts (gnomAD); In silico analysis indicates that this missense variant does not alter protein structure/function; Has not been previously published as pathogenic or benign to our knowledge